The following is an entry in ClinVar:

ClinVar aggregate classification (germline): Uncertain significance (1 of 4 stars; one submission).

Conditions:
Paroxysmal nonkinesigenic dyskinesia. Also called: Paroxysmal non-kinesigenic dyskinesia. Identifiers: Orphanet 98810, MedGen C1869117, MONDO:0700088.

gnomAD v4.1: 2 of 1,613,090 alleles (0.00012%); highest among the groups gnomAD compares: Admixed American, 0.0017%; no homozygotes.

Submission:

Labcorp Genetics (formerly Invitae), Labcorp
Classification: Uncertain significance for Paroxysmal nonkinesigenic dyskinesia. Last evaluated: 2020-04-14. Review status: criteria provided, single submitter. Criteria: Invitae Variant Classification Sherloc (09022015). Collection method: clinical testing. Allele origin: germline.
Comment: This sequence change falls in intron 4 of the PNKD gene. It does not directly change the encoded amino acid sequence of the PNKD protein. This variant is present in population databases (rs745435962, ExAC 0.009%). This variant has not been reported in the literature in individuals with PNKD-related conditions. Algorithms developed to predict the effect of sequence changes on RNA splicing suggest that this variant may disrupt the consensus splice site, but this prediction has not been confirmed by published transcriptional studies. In summary, the available evidence is currently insufficient to determine the role of this variant in disease. Therefore, it has been classified as a Variant of Uncertain Significance.

NM_015488.5(PNKD):c.466-5C>G

Genes: CATIP-AS2 (CATIP antisense RNA 2; minus strand), PNKD (PNKD metallo-beta-lactamase domain containing; plus strand). Cytogenetic location: 2q35.
Variant type: single nucleotide variant.
Coding change: c.466-5C>G on transcript NM_015488.5 (MANE Select); 5 bases into the intron before coding-DNA position 466, C replaced by G.
Molecular consequence: intron variant.
Genome position (GRCh38, 1-based): chr2:218,340,723, C>G. VCF-style: chr2-218340723-C-G. GRCh37 (hg19) VCF-style: chr2-219205446-C-G.
Other names: c.394-5C>G (NM_022572.4).
Identifiers: ClinVar variation 1041239 (VCV001041239.8), dbSNP rs745435962, ClinGen allele CA2103971.